The following is an entry in ClinVar:

NM_017763.6(RNF43):c.2195G>C (p.Arg732Pro)

Gene: RNF43 (ring finger protein 43; minus strand). Cytogenetic location: 17q22.
Variant type: single nucleotide variant.
Coding change: c.2195G>C on transcript NM_017763.6 (MANE Select); coding-DNA position 2195, G replaced by C.
Protein change: p.Arg732Pro; replaces arginine 732 with proline.
Molecular consequence: missense variant.
Genome position (GRCh38, 1-based): chr17:58,357,581, C>G on the plus strand (G>C on the coding strand, the complement: RNF43 is on the minus strand). VCF-style: chr17-58357581-C-G. GRCh37 (hg19) VCF-style: chr17-56434942-C-G.
Other names: c.2195G>C, p.Arg732Pro (NM_001305544.3, NM_001438820.1, NM_001438821.1 and 1 more transcripts); c.1814G>C, p.Arg605Pro (NM_001305545.2, NM_001437987.1); short protein forms R605P, R732P.
Identifiers: ClinVar variation 4155767 (VCV004155767.1).

ClinVar aggregate classification (germline): Uncertain significance (1 of 4 stars; one submission).

gnomAD v4.1: 2 of 1,614,190 alleles (0.00012%); highest among the groups gnomAD compares: Non-Finnish European, 0.00017%; no homozygotes.

Submission:

Ambry Genetics
Classification: Uncertain significance. Last evaluated: 2025-08-03. Review status: criteria provided, single submitter. Criteria: Ambry Variant Classification Scheme 2023. Collection method: clinical testing. Allele origin: germline.
Comment: The p.R732P variant (also known as c.2195G>C), located in coding exon 8 of the RNF43 gene, results from a G to C substitution at nucleotide position 2195. The arginine at codon 732 is replaced by proline, an amino acid with dissimilar properties. This amino acid position is conserved. In addition, this alteration is predicted to be tolerated by in silico analysis. Based on the available evidence, the clinical significance of this variant remains unclear.